The following is an entry in ClinVar:

NM_177559.3(CSNK2A1):c.921T>G (p.Tyr307Ter)

Gene: CSNK2A1 (casein kinase 2 alpha 1; minus strand). Cytogenetic location: 20p13.
Variant type: single nucleotide variant.
Coding change: c.921T>G on transcript NM_177559.3 (MANE Select); coding-DNA position 921, T replaced by G.
Protein change: p.Tyr307Ter; replaces tyrosine 307 with a stop codon.
Molecular consequence: nonsense.
Genome position (GRCh38, 1-based): chr20:487,479, A>C on the plus strand (T>G on the coding strand, the complement: CSNK2A1 is on the minus strand). VCF-style: chr20-487479-A-C. GRCh37 (hg19) VCF-style: chr20-468123-A-C.
Other names: c.921T>G, p.Tyr307Ter (NM_001362770.2, NM_001362771.2, NM_001895.4); c.513T>G, p.Tyr171Ter (NM_177560.3); short protein forms Y171*, Y307*.
Identifiers: ClinVar variation 1186816 (VCV001186816.2), dbSNP rs760778054, ClinGen allele CA407924359.

ClinVar aggregate classification (germline): Likely pathogenic (1 of 4 stars; one submission).

Submission:

GeneDx
Classification: Likely pathogenic. Last evaluated: 2020-01-20. Review status: criteria provided, single submitter. Criteria: GeneDx Variant Classification Process June 2021. Collection method: clinical testing. Allele origin: germline. Affected: yes.
Comment: Not observed in large population cohorts (Lek et al., 2016); Nonsense variant predicted to result in protein truncation or nonsense mediated decay in a gene for which loss-of-function is not a known mechanism of disease; Has not been previously published as pathogenic or benign to our knowledge